The following is an entry in ClinVar:

NM_016239.4(MYO15A):c.8714-6C>A

Gene: MYO15A (myosin XVA; plus strand). Cytogenetic location: 17p11.2.
Variant type: single nucleotide variant.
Coding change: c.8714-6C>A on transcript NM_016239.4 (MANE Select); 6 bases into the intron before coding-DNA position 8714, C replaced by A.
Molecular consequence: intron variant.
Genome position (GRCh38, 1-based): chr17:18,157,150, C>A. VCF-style: chr17-18157150-C-A. GRCh37 (hg19) VCF-style: chr17-18060464-C-A.
Identifiers: ClinVar variation 3340947 (VCV003340947.1).
Genomic context (GRCh38, chr17:18,157,150, plus strand): 5'-GGGCAGGAGGGGGAGGCTGGCCAAGGGGGCCTCCCTGGCAGATGCTGACCCGAGCCTGGC[C>A]CATAGGCTACAGTGCTGGCTGCGTGGTTCGCAGGAAGGTGGTGTACCTGGAGGAGCTGCG-3'

ClinVar aggregate classification (germline): Uncertain significance (1 of 4 stars; one submission).

Submission:

GeneDx
Classification: Uncertain significance. Last evaluated: 2024-02-22. Review status: criteria provided, single submitter. Criteria: GeneDx Variant Classification Process June 2021. Collection method: clinical testing. Allele origin: germline. Affected: yes.
Comment: Not observed in large population cohorts (gnomAD); Has not been previously published as pathogenic or benign to our knowledge; In silico analysis supports that this variant does not alter splicing